The following is an entry in ClinVar:

ClinVar aggregate classification (germline): Uncertain significance. Review status: criteria provided, multiple submitters, no conflicts (2 of 4 stars). 2 submissions from 2 submitters: Uncertain significance (2). Last evaluated 2025-12-23.

Conditions:
Hereditary cancer-predisposing syndrome. Also called: Hereditary neoplastic syndrome; Neoplastic Syndromes, Hereditary; Tumor predisposition; Hereditary Cancer Syndrome. Identifiers: Orphanet 140162, MedGen C0027672, MeSH D009386, MONDO:0015356.
Gorlin syndrome. Also called: Nevoid Basal Cell Carcinoma Syndrome; Basal cell nevus syndrome. Identifiers: Orphanet 377, MedGen C0004779, MONDO:0007187.

Submissions (2):

Labcorp Genetics (formerly Invitae), Labcorp
Classification: Uncertain significance for Gorlin syndrome. Last evaluated: 2025-12-23. Review status: criteria provided, single submitter. Criteria: Invitae Variant Classification Sherloc (09022015). Collection method: clinical testing. Allele origin: germline.
Comment: This sequence change replaces tyrosine, which is neutral and polar, with cysteine, which is neutral and slightly polar, at codon 873 of the PTCH1 protein (p.Tyr873Cys). This variant is not present in population databases (gnomAD no frequency). This variant has not been reported in the literature in individuals affected with PTCH1-related conditions. ClinVar contains an entry for this variant (Variation ID: 1006727). Invitae Evidence Modeling of protein sequence and biophysical properties (such as structural, functional, and spatial information, amino acid conservation, physicochemical variation, residue mobility, and thermodynamic stability) has been performed for this missense variant. However, the output from this modeling did not meet the statistical confidence thresholds required to predict the impact of this variant on PTCH1 protein function. In summary, the available evidence is currently insufficient to determine the role of this variant in disease. Therefore, it has been classified as a Variant of Uncertain Significance.

Ambry Genetics
Classification: Uncertain significance for Hereditary cancer-predisposing syndrome. Last evaluated: 2023-12-16. Review status: criteria provided, single submitter. Criteria: Ambry Variant Classification Scheme 2023. Collection method: clinical testing. Allele origin: germline.
Comment: The p.Y873C variant (also known as c.2618A>G), located in coding exon 16 of the PTCH1 gene, results from an A to G substitution at nucleotide position 2618. The tyrosine at codon 873 is replaced by cysteine, an amino acid with highly dissimilar properties. This amino acid position is conserved. In addition, this alteration is predicted to be deleterious by in silico analysis. Since supporting evidence is limited at this time, the clinical significance of this alteration remains unclear.

NM_000264.5(PTCH1):c.2618A>G (p.Tyr873Cys)

Gene: PTCH1 (patched 1; minus strand). Cytogenetic location: 9q22.32.
Variant type: single nucleotide variant.
Coding change: c.2618A>G on transcript NM_000264.5 (MANE Select); coding-DNA position 2618, A replaced by G.
Protein change: p.Tyr873Cys; replaces tyrosine 873 with cysteine.
Molecular consequence: missense variant. On other transcripts: non-coding transcript variant (1).
Genome position (GRCh38, 1-based): chr9:95,461,941, T>C on the plus strand (A>G on the coding strand, the complement: PTCH1 is on the minus strand). VCF-style: chr9-95461941-T-C. GRCh37 (hg19) VCF-style: chr9-98224223-T-C.
Other names: c.2618A>G (NM_000264.3); c.2420A>G, p.Tyr807Cys (NM_001083602.3); c.2615A>G, p.Tyr872Cys (NM_001083603.3); c.2165A>G, p.Tyr722Cys (NM_001083604.3, NM_001083605.3, NM_001083606.3 and 1 more transcripts); c.2462A>G, p.Tyr821Cys (NM_001354918.2); short protein forms Y722C, Y807C, Y821C, Y872C, Y873C.
Identifiers: ClinVar variation 1006727 (VCV001006727.13), dbSNP rs1839512647, ClinGen allele CA374113461.